The following is an entry in ClinVar:

NM_001253697.2(ERBIN):c.2336A>C (p.Glu779Ala)

Gene: ERBIN (erbb2 interacting protein; plus strand). Cytogenetic location: 5q12.3.
Variant type: single nucleotide variant.
Coding change: c.2336A>C on transcript NM_001253697.2 (MANE Select); coding-DNA position 2336, A replaced by C.
Protein change: p.Glu779Ala; replaces glutamic acid 779 with alanine.
Molecular consequence: missense variant.
Genome position (GRCh38, 1-based): chr5:66,053,654, A>C. VCF-style: chr5-66053654-A-C. GRCh37 (hg19) VCF-style: chr5-65349482-A-C.
Other names: c.2336A>C, p.Glu779Ala (NM_001006600.3, NM_001253698.2, NM_001253699.2 and 1 more transcripts); c.2324A>C, p.Glu775Ala (NM_001253701.2); short protein forms E775A, E779A.
Identifiers: ClinVar variation 4704694 (VCV004704694.1).

ClinVar aggregate classification (germline): Uncertain significance (1 of 4 stars; one submission).

gnomAD v4.1: 2 of 1,613,340 alleles (0.00012%); highest among the groups gnomAD compares: East Asian, 0.0045%; no homozygotes.

Submission:

Labcorp Genetics (formerly Invitae), Labcorp
Classification: Uncertain significance. Last evaluated: 2025-06-22. Review status: criteria provided, single submitter. Criteria: Invitae Variant Classification Sherloc (09022015). Collection method: clinical testing. Allele origin: germline.
Comment: This sequence change replaces glutamic acid, which is acidic and polar, with alanine, which is neutral and non-polar, at codon 779 of the ERBIN protein (p.Glu779Ala). This variant is present in population databases (rs761976440, gnomAD 0.006%). This variant has not been reported in the literature in individuals affected with ERBIN-related conditions. An algorithm developed to predict the effect of missense changes on protein structure and function (PolyPhen-2) suggests that this variant is likely to be tolerated. In summary, the available evidence is currently insufficient to determine the role of this variant in disease. Therefore, it has been classified as a Variant of Uncertain Significance.